The following is an entry in ClinVar:

ClinVar aggregate classification (germline): Uncertain significance. Review status: criteria provided, multiple submitters, no conflicts (2 of 4 stars). 2 submissions from 2 submitters: Uncertain significance (2). Last evaluated 2025-08-19.

Conditions:
Inborn genetic diseases. Identifiers: MedGen C0950123, MeSH D030342.
Developmental and epileptic encephalopathy, 23 (DEE23). Also called: Epileptic encephalopathy, early infantile, 23. Identifiers: Orphanet 411986, MedGen C4014492, MONDO:0014371, OMIM 615859.

Allele frequency attached by ClinVar (database versions not stated): gnomAD 0.00001; TOPMed 0.00002.
gnomAD v4.1: 9 of 1,613,978 alleles (0.00056%); highest among the groups gnomAD compares: East Asian, 0.0045%; no homozygotes.

Submissions (2):

Ambry Genetics
Classification: Uncertain significance for Inborn genetic diseases. Last evaluated: 2025-08-19. Review status: criteria provided, single submitter. Criteria: Ambry Variant Classification Scheme 2023. Collection method: clinical testing. Allele origin: germline.

Labcorp Genetics (formerly Invitae), Labcorp
Classification: Uncertain significance for Developmental and epileptic encephalopathy, 23. Last evaluated: 2020-11-18. Review status: criteria provided, single submitter. Criteria: Invitae Variant Classification Sherloc (09022015). Collection method: clinical testing. Allele origin: germline.
Comment: In summary, the available evidence is currently insufficient to determine the role of this variant in disease. Therefore, it has been classified as a Variant of Uncertain Significance. Algorithms developed to predict the effect of sequence changes on RNA splicing suggest that this variant may create or strengthen a splice site, but this prediction has not been confirmed by published transcriptional studies. Algorithms developed to predict the effect of missense changes on protein structure and function (SIFT, PolyPhen-2, Align-GVGD) all suggest that this variant is likely to be tolerated, but these predictions have not been confirmed by published functional studies and their clinical significance is uncertain. This variant has not been reported in the literature in individuals with DOCK7-related conditions. This variant is present in population databases (rs188799098, ExAC 0.002%). This sequence change replaces histidine with arginine at codon 2001 of the DOCK7 protein (p.His2001Arg). The histidine residue is highly conserved and there is a small physicochemical difference between histidine and arginine.

NM_001367561.1(DOCK7):c.6035A>G (p.His2012Arg)

Gene: DOCK7 (dedicator of cytokinesis 7; minus strand). Cytogenetic location: 1p31.3.
Variant type: single nucleotide variant.
Coding change: c.6035A>G on transcript NM_001367561.1 (MANE Select); coding-DNA position 6035, A replaced by G.
Protein change: p.His2012Arg; replaces histidine 2012 with arginine.
Molecular consequence: missense variant.
Genome position (GRCh38, 1-based): chr1:62,475,278, T>C on the plus strand (A>G on the coding strand, the complement: DOCK7 is on the minus strand). VCF-style: chr1-62475278-T-C. GRCh37 (hg19) VCF-style: chr1-62940949-T-C.
Other names: c.6002A>G, p.His2001Arg (NM_001271999.2); c.5915A>G, p.His1972Arg (NM_001272000.2); c.5909A>G, p.His1970Arg (NM_001272001.2); c.6008A>G, p.His2003Arg (NM_001330614.2); c.5942A>G, p.His1981Arg (NM_033407.4); c.5942A>G (NM_033407.2); short protein forms H1970R, H1972R, H1981R, H2001R, H2003R, H2012R.
Identifiers: ClinVar variation 1022641 (VCV001022641.8), dbSNP rs188799098, ClinGen allele CA885309.